The following is an entry in ClinVar:

ClinVar aggregate classification (germline): Uncertain significance (1 of 4 stars; one submission).

Conditions:
Mucopolysaccharidosis, MPS-III-D (MPS3D). Also called: N-ACETYLGLUCOSAMINE-6-SULFATASE DEFICIENCY; SANFILIPPO SYNDROME D; MPS III D; Mucopoly-saccharidosis type 3D; N-acetylglucosamine-6-sulfate sulfatase deficiency; MPS 3D. Identifiers: Orphanet 581, Orphanet 79272, MedGen C0086650, MONDO:0009658, OMIM 252940.

Allele frequency attached by ClinVar (database versions not stated): gnomAD 0.00001; TOPMed 0.00001; ExAC 0.00001.
gnomAD v4.1: 28 of 1,609,660 alleles (0.0017%); highest among the groups gnomAD compares: Non-Finnish European, 0.0022%; no homozygotes.

Submission:

Labcorp Genetics (formerly Invitae), Labcorp
Classification: Uncertain significance for Mucopolysaccharidosis, MPS-III-D. Last evaluated: 2022-02-27. Review status: criteria provided, single submitter. Criteria: Invitae Variant Classification Sherloc (09022015). Collection method: clinical testing. Allele origin: germline.
Comment: This sequence change replaces histidine, which is basic and polar, with tyrosine, which is neutral and polar, at codon 108 of the GNS protein (p.His108Tyr). This variant is present in population databases (rs770771257, gnomAD 0.003%). This variant has not been reported in the literature in individuals affected with GNS-related conditions. Algorithms developed to predict the effect of missense changes on protein structure and function are either unavailable or do not agree on the potential impact of this missense change (SIFT: "Tolerated"; PolyPhen-2: "Possibly Damaging"; Align-GVGD: "Class C0"). In summary, the available evidence is currently insufficient to determine the role of this variant in disease. Therefore, it has been classified as a Variant of Uncertain Significance.

NM_002076.4(GNS):c.322C>T (p.His108Tyr)

Gene: GNS (glucosamine (N-acetyl)-6-sulfatase; minus strand). Cytogenetic location: 12q14.3.
Variant type: single nucleotide variant.
Coding change: c.322C>T on transcript NM_002076.4 (MANE Select); coding-DNA position 322, C replaced by T.
Protein change: p.His108Tyr; replaces histidine 108 with tyrosine.
Molecular consequence: missense variant.
Genome position (GRCh38, 1-based): chr12:64,747,849, G>A on the plus strand (C>T on the coding strand, the complement: GNS is on the minus strand). VCF-style: chr12-64747849-G-A. GRCh37 (hg19) VCF-style: chr12-65141629-G-A.
Other names: short protein forms H108Y.
Identifiers: ClinVar variation 2145431 (VCV002145431.1), dbSNP rs770771257, ClinGen allele CA6669970.